The following is an entry in ClinVar:

ClinVar aggregate classification (germline): Pathogenic/Likely pathogenic. Review status: criteria provided, multiple submitters, no conflicts (2 of 4 stars). 2 submissions from 2 submitters: Pathogenic (1); Likely pathogenic (1). Last evaluated 2025-05-12.

Conditions:
Schimke immuno-osseous dysplasia (SIOD). Also called: Schimke Immunoosseous Dysplasia. Identifiers: Orphanet 1830, MedGen C0877024, MONDO:0009458, OMIM 242900.

Submissions (2):

Natera, Inc.
Classification: Likely pathogenic for Schimke immuno-osseous dysplasia. Last evaluated: 2025-05-12. Review status: criteria provided, single submitter. Criteria: Natera Variant Classification Schema (03/2026). Collection method: clinical testing. Allele origin: germline.
Comment: The c.609del variant in SMARCAL1 is a frameshift variant predicted to shift the reading frame beginning at codon 203 and leads to a stop codon 12 codons downstream. This variant is expected to result in nonsense mediated decay, truncation, or a dysfunctional protein product. This variant is rare in the general population with a frequency below the threshold expected for the associated phenotype(s). Given the available evidence, this variant is classified as Likely Pathogenic.

Labcorp Genetics (formerly Invitae), Labcorp
Classification: Pathogenic for Schimke immuno-osseous dysplasia. Last evaluated: 2020-04-01. Review status: criteria provided, single submitter. Criteria: Invitae Variant Classification Sherloc (09022015). Collection method: clinical testing. Allele origin: germline.
Comment: This variant is not present in population databases (ExAC no frequency). This sequence change creates a premature translational stop signal (p.Asn203Lysfs*12) in the SMARCAL1 gene. It is expected to result in an absent or disrupted protein product. This variant has not been reported in the literature in individuals with SMARCAL1-related conditions. For these reasons, this variant has been classified as Pathogenic. Loss-of-function variants in SMARCAL1 are known to be pathogenic (PMID: 11799392, 20301550).

Literature cited by the submitters: PubMed 11799392 (cited by Labcorp Genetics (formerly Invitae), Labcorp); PubMed 20301550 (cited by Labcorp Genetics (formerly Invitae), Labcorp).

NM_014140.4(SMARCAL1):c.609del (p.Asn203fs)

Gene: SMARCAL1 (SNF2 related chromatin remodeling annealing helicase 1; plus strand). Cytogenetic location: 2q35.
Variant type: Deletion.
Coding change: c.609del on transcript NM_014140.4 (MANE Select); coding-DNA position 609, one base deleted (C; older notation c.609delC).
Protein change: p.Asn203fs; shifts the reading frame from asparagine 203.
Molecular consequence: frameshift variant.
Genome position (GRCh38, 1-based): chr2:216,415,313, C deleted. VCF-style (leftmost placement, unchanged base first): chr2-216415312-AC-A. GRCh37 (hg19) VCF-style: chr2-217280035-AC-A.
Other names: c.609del, p.Asn203fs (NM_001127207.2); c.609del (NM_014140.3); short protein forms N203fs.
Identifiers: ClinVar variation 1071628 (VCV001071628.9), dbSNP rs2106015063, ClinGen allele CA2499215641.
Genomic context (GRCh38, chr2:216,415,312, plus strand): 5'-AGCCTCCCAGGGATGCTAAGTTAGAGGCCAAGACAGCAAAAGCCTCCCCTTCGGGGCAGA[AC>A]ATTTCTTACATCCATTCTAGCTCAGAGAGTGTAACGCCCAGGACAGAAGGAAGACTCCAG-3'